The following is an entry in ClinVar:

ClinVar aggregate classification (germline): Uncertain significance. Review status: criteria provided, multiple submitters, no conflicts (2 of 4 stars). 2 submissions from 2 submitters: Uncertain significance (2). Last evaluated 2025-12-31.

Conditions:
Inborn genetic diseases. Identifiers: MedGen C0950123, MeSH D030342.

Allele frequency attached by ClinVar (database versions not stated): gnomAD exomes below 0.00001; TOPMed 0.00002; gnomAD 0.00003.
gnomAD v4.1: 10 of 1,602,972 alleles (0.00062%); highest among the groups gnomAD compares: African/African-American, 0.012%; 1 homozygote.

Submissions (2):

Labcorp Genetics (formerly Invitae), Labcorp
Classification: Uncertain significance. Last evaluated: 2025-12-31. Review status: criteria provided, single submitter. Criteria: Invitae Variant Classification Sherloc (09022015). Collection method: clinical testing. Allele origin: germline.
Comment: This sequence change replaces phenylalanine, which is neutral and non-polar, with leucine, which is neutral and non-polar, at codon 293 of the TCF3 protein (p.Phe293Leu). This variant is not present in population databases (gnomAD no frequency). This variant has not been reported in the literature in individuals affected with TCF3-related conditions. ClinVar contains an entry for this variant (Variation ID: 1931579). Invitae Evidence Modeling of protein sequence and biophysical properties (such as structural, functional, and spatial information, amino acid conservation, physicochemical variation, residue mobility, and thermodynamic stability) indicates that this missense variant is not expected to disrupt TCF3 protein function with a negative predictive value of 80%. In summary, the available evidence is currently insufficient to determine the role of this variant in disease. Therefore, it has been classified as a Variant of Uncertain Significance.

Ambry Genetics
Classification: Uncertain significance for Inborn genetic diseases. Last evaluated: 2024-04-19. Review status: criteria provided, single submitter. Criteria: Ambry Variant Classification Scheme 2023. Collection method: clinical testing. Allele origin: germline.

NM_003200.5(TCF3):c.879C>G (p.Phe293Leu)

Gene: TCF3 (transcription factor 3; minus strand). Cytogenetic location: 19p13.3.
Variant type: single nucleotide variant.
Coding change: c.879C>G on transcript NM_003200.5 (MANE Select); coding-DNA position 879, C replaced by G.
Protein change: p.Phe293Leu; replaces phenylalanine 293 with leucine.
Molecular consequence: missense variant.
Genome position (GRCh38, 1-based): chr19:1,621,914, G>C on the plus strand (C>G on the coding strand, the complement: TCF3 is on the minus strand). VCF-style: chr19-1621914-G-C. GRCh37 (hg19) VCF-style: chr19-1621913-G-C.
Other names: c.879C>G, p.Phe293Leu (NM_001136139.4, NM_001351778.2, NM_001351779.2); c.879C>G (NM_003200.3); short protein forms F293L.
Identifiers: ClinVar variation 1931579 (VCV001931579.6), dbSNP rs2062277262, ClinGen allele CA403055067.